The following is an entry in ClinVar:

NM_001849.4(COL6A2):c.1777G>T (p.Asp593Tyr)

Gene: COL6A2 (collagen type VI alpha 2 chain; plus strand). Cytogenetic location: 21q22.3.
Variant type: single nucleotide variant.
Coding change: c.1777G>T on transcript NM_001849.4 (MANE Select); coding-DNA position 1777, G replaced by T.
Protein change: p.Asp593Tyr; replaces aspartic acid 593 with tyrosine.
Molecular consequence: missense variant.
Genome position (GRCh38, 1-based): chr21:46,125,272, G>T. VCF-style: chr21-46125272-G-T. GRCh37 (hg19) VCF-style: chr21-47545186-G-T.
Other names: c.1777G>T, p.Asp593Tyr (NM_058174.3, NM_058175.3); short protein forms D593Y.
Identifiers: ClinVar variation 4744480 (VCV004744480.1).

ClinVar aggregate classification (germline): Uncertain significance (1 of 4 stars; one submission).

Conditions:
Bethlem myopathy 1A. Also called: MYOPATHY, BENIGN CONGENITAL, WITH CONTRACTURES; Bethlem myopathy 1; Bethlem Muscular Dystrophy. Identifiers: Orphanet 610, MedGen CN029274, MONDO:0024530, OMIM 158810.

Submission:

Labcorp Genetics (formerly Invitae), Labcorp
Classification: Uncertain significance for Bethlem myopathy 1A. Last evaluated: 2025-09-12. Review status: criteria provided, single submitter. Criteria: Invitae Variant Classification Sherloc (09022015). Collection method: clinical testing. Allele origin: germline.
Comment: This sequence change replaces aspartic acid, which is acidic and polar, with tyrosine, which is neutral and polar, at codon 593 of the COL6A2 protein (p.Asp593Tyr). This variant is not present in population databases (gnomAD no frequency). This variant has not been reported in the literature in individuals affected with COL6A2-related conditions. Invitae Evidence Modeling of protein sequence and biophysical properties (such as structural, functional, and spatial information, amino acid conservation, physicochemical variation, residue mobility, and thermodynamic stability) indicates that this missense variant is expected to disrupt COL6A2 protein function with a positive predictive value of 80%. In summary, the available evidence is currently insufficient to determine the role of this variant in disease. Therefore, it has been classified as a Variant of Uncertain Significance.